The following is an entry in ClinVar:

NM_025137.4(SPG11):c.6250C>T (p.Leu2084Phe)

Gene: SPG11 (SPG11 vesicle trafficking associated, spatacsin; minus strand). Cytogenetic location: 15q21.1.
Variant type: single nucleotide variant.
Coding change: c.6250C>T on transcript NM_025137.4 (MANE Select); coding-DNA position 6250, C replaced by T.
Protein change: p.Leu2084Phe; replaces leucine 2084 with phenylalanine.
Molecular consequence: missense variant.
Genome position (GRCh38, 1-based): chr15:44,572,776, G>A on the plus strand (C>T on the coding strand, the complement: SPG11 is on the minus strand). VCF-style: chr15-44572776-G-A. GRCh37 (hg19) VCF-style: chr15-44864974-G-A.
Other names: c.5911C>T, p.Leu1971Phe (NM_001160227.2); short protein forms L2084F, L1971F.
Identifiers: ClinVar variation 406515 (VCV000406515.6), dbSNP rs754874642, ClinGen allele CA7534197.

ClinVar aggregate classification (germline): Uncertain significance (1 of 4 stars; one submission).

Conditions:
Hereditary spastic paraplegia 11. Also called: Spastic Paraplegia 11; Spastic paraplegia, mental retardation and thin corpus callosum; Nakamura Osame syndrome; Autosomal recessive hereditary spastic paraplegia, mental impairment, and thin corpus callosum; SPASTIC PARAPLEGIA, AUTOSOMAL RECESSIVE, COMPLICATED, WITH THIN CORPUS CALLOSUM; SPASTIC PARAPLEGIA, AUTOSOMAL RECESSIVE, WITH MENTAL IMPAIRMENT AND THIN CORPUS CALLOSUM. Identifiers: Orphanet 2822, MedGen C1858479, MONDO:0011445, OMIM 604360.

Allele frequency attached by ClinVar (database versions not stated): ExAC 0.00001; gnomAD exomes 0.00001 and 0.00002; gnomAD 0.00002; TOPMed 0.00002.
gnomAD v4.1: 22 of 1,613,986 alleles (0.0014%); highest among the groups gnomAD compares: Admixed American, 0.013%; no homozygotes.

Submission:

Labcorp Genetics (formerly Invitae), Labcorp
Classification: Uncertain significance for Hereditary spastic paraplegia 11. Last evaluated: 2024-01-19. Review status: criteria provided, single submitter. Criteria: Invitae Variant Classification Sherloc (09022015). Collection method: clinical testing. Allele origin: germline.
Comment: This sequence change replaces leucine, which is neutral and non-polar, with phenylalanine, which is neutral and non-polar, at codon 2084 of the SPG11 protein (p.Leu2084Phe). This variant is present in population databases (rs754874642, gnomAD 0.01%). This missense change has been observed in individual(s) with amyotrophic lateral sclerosis (PMID: 32638105). ClinVar contains an entry for this variant (Variation ID: 406515). Advanced modeling of protein sequence and biophysical properties (such as structural, functional, and spatial information, amino acid conservation, physicochemical variation, residue mobility, and thermodynamic stability) has been performed at Invitae for this missense variant, however the output from this modeling did not meet the statistical confidence thresholds required to predict the impact of this variant on SPG11 protein function. In summary, the available evidence is currently insufficient to determine the role of this variant in disease. Therefore, it has been classified as a Variant of Uncertain Significance.

Literature cited by the submitters: PubMed 32638105.